The following is an entry in ClinVar:

NM_001846.4(COL4A2):c.1093C>G (p.Pro365Ala)

Gene: COL4A2 (collagen type IV alpha 2 chain; plus strand). Cytogenetic location: 13q34.
Variant type: single nucleotide variant.
Coding change: c.1093C>G on transcript NM_001846.4 (MANE Select); coding-DNA position 1093, C replaced by G.
Protein change: p.Pro365Ala; replaces proline 365 with alanine.
Molecular consequence: missense variant.
Genome position (GRCh38, 1-based): chr13:110,449,693, C>G. VCF-style: chr13-110449693-C-G. GRCh37 (hg19) VCF-style: chr13-111102040-C-G.
Other names: short protein forms P365A.
Identifiers: ClinVar variation 3615058 (VCV003615058.2).

ClinVar aggregate classification (germline): Uncertain significance (1 of 4 stars; one submission).

gnomAD v4.1: 4 of 1,548,590 alleles (0.00026%); highest among the groups gnomAD compares: Non-Finnish European, 0.00035%; no homozygotes.

Submission:

Labcorp Genetics (formerly Invitae), Labcorp
Classification: Uncertain significance. Last evaluated: 2025-11-19. Review status: criteria provided, single submitter. Criteria: Invitae Variant Classification Sherloc (09022015). Collection method: clinical testing. Allele origin: germline.
Comment: This sequence change replaces proline, which is neutral and non-polar, with alanine, which is neutral and non-polar, at codon 365 of the COL4A2 protein (p.Pro365Ala). This variant is not present in population databases (gnomAD no frequency). This variant has not been reported in the literature in individuals affected with COL4A2-related conditions. ClinVar contains an entry for this variant (Variation ID: 3615058). Invitae Evidence Modeling of protein sequence and biophysical properties (such as structural, functional, and spatial information, amino acid conservation, physicochemical variation, residue mobility, and thermodynamic stability) indicates that this missense variant is not expected to disrupt COL4A2 protein function with a negative predictive value of 95%. In summary, the available evidence is currently insufficient to determine the role of this variant in disease. Therefore, it has been classified as a Variant of Uncertain Significance.